The following is an entry in ClinVar:

ClinVar aggregate classification (germline): Pathogenic. Review status: criteria provided, multiple submitters, no conflicts (2 of 4 stars). 2 submissions from 2 submitters: Pathogenic (2). Last evaluated 2023-08-14.
ClinVar aggregate classification (somatic clinical impact): Tier II - Potential (1 of 4 stars; one submission).

Conditions:
NF1-related disorder. Also called: NF1-related condition. Identifiers: MedGen CN379171.
Primary brain neoplasm. Identifiers: MedGen C0750974, MONDO:0021632.

Submissions (3):

Institute for Genomic Medicine (IGM) Clinical Laboratory, Nationwide Children's Hospital
Classification: Tier II - Potential for Primary brain neoplasm. Assertion type: diagnostic. Clinical significance: supports diagnosis. Last evaluated: 2025-10-05. Review status: criteria provided, single submitter. Criteria: AMP/ASCO/CAP Guidelines, 2017. Collection method: clinical testing. Allele origin: somatic. Affected: yes.
Comment: Variant has Tier II (potential) clinical significance as a diagnostic inclusion criterion in primary brain neoplasm, based on the following evidence: 1) Documented in one or more cancer databases (e.g., St. Jude Pecan, COSMIC, CIViC, OncoKB). 2) Appears in one or more well-established professional guidelines (e.g., World Health Organization [WHO]; National Comprehensive Cancer Network [NCCN]) as providing diagnostic, prognostic, or therapeutic information. 3) Information in the literature supports potential biologic effect of variant (PMIDs: 19573811, 24576830, 8563751, 7542586, 8052307, 12509763). 4) Diagnostic significance based on multiple small studies (Evidence Level C; PMIDs: 33918520, 12058604).

GeneDx
Classification: Pathogenic. Last evaluated: 2023-08-14. Review status: criteria provided, single submitter. Criteria: GeneDx Variant Classification Process June 2021. Collection method: clinical testing. Allele origin: germline. Affected: yes.
Comment: Frameshift variant predicted to result in protein truncation or nonsense mediated decay in a gene for which loss of function is a known mechanism of disease; Not observed at significant frequency in large population cohorts (gnomAD); This variant is associated with the following publications: (PMID: 16944272)

Blueprint Genetics
Classification: Pathogenic for NF1-related disorders. Last evaluated: 2022-10-21. Review status: criteria provided, single submitter. Criteria: ACMG Guidelines, 2015. Collection method: clinical testing. Allele origin: germline. Affected: yes. Observed: 1 variant allele.

Literature cited by the submitters: PubMed 19573811 (cited by Institute for Genomic Medicine (IGM) Clinical Laboratory, Nationwide Children's Hospital); PubMed 24576830 (cited by Institute for Genomic Medicine (IGM) Clinical Laboratory, Nationwide Children's Hospital); PubMed 8563751 (cited by Institute for Genomic Medicine (IGM) Clinical Laboratory, Nationwide Children's Hospital); PubMed 7542586 (cited by Institute for Genomic Medicine (IGM) Clinical Laboratory, Nationwide Children's Hospital); PubMed 8052307 (cited by Institute for Genomic Medicine (IGM) Clinical Laboratory, Nationwide Children's Hospital); PubMed 12509763 (cited by Institute for Genomic Medicine (IGM) Clinical Laboratory, Nationwide Children's Hospital); PubMed 33918520 (cited by Institute for Genomic Medicine (IGM) Clinical Laboratory, Nationwide Children's Hospital); PubMed 12058604 (cited by Institute for Genomic Medicine (IGM) Clinical Laboratory, Nationwide Children's Hospital).

NM_001042492.3(NF1):c.4371del (p.Glu1458fs)

Gene: NF1 (neurofibromin 1; plus strand). Cytogenetic location: 17q11.2.
Variant type: Deletion.
Coding change: c.4371del on transcript NM_001042492.3 (MANE Select); coding-DNA position 4371, one base deleted (A; older notation c.4371delA).
Protein change: p.Glu1458fs; shifts the reading frame from glutamic acid 1458.
Molecular consequence: frameshift variant.
Genome position (GRCh38, 1-based): chr17:31,259,070, A deleted; the last of 4 consecutive A bases (chr17:31,259,067-31,259,070); deleting any one gives the same sequence. VCF-style (leftmost placement, unchanged base first): chr17-31259066-CA-C. GRCh37 (hg19) VCF-style: chr17-29586084-CA-C.
Other names: c.4308delA, p.Glu1437Lysfs (NM_000267.4); short protein forms E1437fs, E1458fs.
Identifiers: ClinVar variation 2577590 (VCV002577590.3), dbSNP rs1555618653, ClinGen allele CA2580617539.